The following is an entry in ClinVar:

NM_001009944.3(PKD1):c.10220+1G>C

Gene: PKD1 (polycystin 1, transient receptor potential channel interacting; minus strand). Cytogenetic location: 16p13.3.
Variant type: single nucleotide variant.
Coding change: c.10220+1G>C on transcript NM_001009944.3 (MANE Select); the canonical splice donor site of the intron after coding-DNA position 10220, G replaced by C.
Molecular consequence: splice donor variant.
Genome position (GRCh38, 1-based): chr16:2,097,727, C>G on the plus strand (G>C on the coding strand, the complement: PKD1 is on the minus strand). VCF-style: chr16-2097727-C-G. GRCh37 (hg19) VCF-style: chr16-2147728-C-G.
Other names: c.10217+1G>C (NM_000296.4); c.10220+1G>C (NM_001009944.2).
Identifiers: ClinVar variation 3579040 (VCV003579040.2).
Genomic context (GRCh38, chr16:2,097,727, plus strand): 5'-CCCCCGGCACCCCAGACACAGTGACCTGCACCAGGGCTCGAGGTTTCTCTAGGGAACCCA[C>G]CTCTTAGAATCATCCAGAAACAAGTCACTCTTCATCTGTCCAACAAAGGCCTGCTGAGAG-3'

ClinVar aggregate classification (germline): Likely pathogenic. Review status: criteria provided, multiple submitters, no conflicts (2 of 4 stars). 2 submissions from 2 submitters: Likely pathogenic (2). Last evaluated 2025-08-15.

Conditions:
PKD1-related disorder. Also called: PKD1-related condition.
Polycystic kidney disease, adult type (PKD1). Also called: Polycystic Kidney Disease 1, Autosomal Dominant; Polycystic kidney disease 1; Polycystic kidney disease 1, severe; Polycystic Kidney, Autosomal Dominant; POLYCYSTIC KIDNEY DISEASE, ADULT, TYPE I; POLYCYSTIC KIDNEY DISEASE 1 WITH OR WITHOUT POLYCYSTIC LIVER DISEASE. Identifiers: MedGen C3149841, MONDO:0008263, OMIM 173900.

Submissions (2):

PreventionGenetics, part of Exact Sciences
Classification: Likely pathogenic for PKD1-related condition. Last evaluated: 2025-08-15. Review status: criteria provided, single submitter. Criteria: ACMG Guidelines, 2015. Collection method: clinical testing. Allele origin: germline.
Comment: The PKD1 c.10220+1G>C variant is predicted to disrupt the GT donor site and interfere with normal splicing. To our knowledge, this variant has not been reported in the literature or in a large population database (gnomAD), indicating this variant is rare. This variant is interpreted as likely pathogenic in ClinVar (Variation ID: 3579040). Another splice variant at the same position has been reported as a de novo variant in an individual with polycystic kidney disease (reported as c.10217+1G>T in transcript NM_000296, Reed et al. 2008. PubMed ID: 18640754). Variants that disrupt the consensus splice donor site in PKD1 are expected to be pathogenic. This variant is interpreted as likely pathogenic.

Fulgent Genetics
Classification: Likely pathogenic for Polycystic kidney disease, adult type. Last evaluated: 2024-02-21. Review status: criteria provided, single submitter. Criteria: ACMG Guidelines, 2015. Collection method: clinical testing. Allele origin: germline.